The following is an entry in ClinVar:

NM_000512.5(GALNS):c.686A>C (p.Tyr229Ser)

Gene: GALNS (galactosamine (N-acetyl)-6-sulfatase; minus strand). Cytogenetic location: 16q24.3.
Variant type: single nucleotide variant.
Coding change: c.686A>C on transcript NM_000512.5 (MANE Select); coding-DNA position 686, A replaced by C.
Protein change: p.Tyr229Ser; replaces tyrosine 229 with serine.
Molecular consequence: missense variant.
Genome position (GRCh38, 1-based): chr16:88,835,797, T>G on the plus strand (A>C on the coding strand, the complement: GALNS is on the minus strand). VCF-style: chr16-88835797-T-G. GRCh37 (hg19) VCF-style: chr16-88902205-T-G.
Other names: c.131A>C, p.Tyr44Ser (NM_001323543.2); c.704A>C, p.Tyr235Ser (NM_001323544.2); short protein forms Y229S, Y235S, Y44S.
Identifiers: ClinVar variation 1048474 (VCV001048474.3), dbSNP rs554190546, ClinGen allele CA397080460.
Genomic context (GRCh38, chr16:88,835,797, plus strand): 5'-CTGGTGCCCAAGAAGGGTTTGGAGGCATAGACGGGTGCGTGCGTGGCGTCGACAGCCCAG[T>G]AGAGGAAAAAGGGGTGGTGCCGTGCCTGTCTCTTAATGAAGTCCAGGGCTTCCTATGGAG-3'
Protein context (NP_000503.1, residues 219-239): RQARHHPFFL[Tyr229Ser]WAVDATHAPV

ClinVar aggregate classification (germline): Uncertain significance (1 of 4 stars; one submission).

Conditions:
Mucopolysaccharidosis, MPS-IV-A (MPS4A). Also called: Mucopolysaccharidosis type IV A; Mucopolysaccharidosis Type IVA; Morquio syndrome A, mild; MORQUIO SYNDROME A; MPS IVA; mucopolysaccharidosis type 4A. Identifiers: Orphanet 309297, Orphanet 582, MedGen C0086651, MONDO:0009659, OMIM 253000.

gnomAD v4.1: 1 of 1,614,056 alleles (0.000062%); highest among the groups gnomAD compares: South Asian, 0.0011%; no homozygotes.

Submission:

Laboratory of Diagnosis and Therapy of Lysosomal Disorders, University of Padova
Classification: Uncertain significance for Mucopolysaccharidosis, MPS-IV-A. Last evaluated: 2021-02-01. Review status: criteria provided, single submitter. Criteria: ACMG Guidelines, 2015. Collection method: curation. Allele origin: germline. Affected: yes.
Comment: Absent from gnomAD v2.1.1 (PM2_moderate); multiple lines of computational evidence support a deleterious effect on the gene (PP3_supporting)

Literature cited by the submitters: PubMed 30458289; PubMed 34387910.